The following is an entry in ClinVar:

ClinVar aggregate classification (germline): Uncertain significance. Review status: criteria provided, multiple submitters, no conflicts (2 of 4 stars). 2 submissions from 2 submitters: Uncertain significance (2). Last evaluated 2023-07-26.

gnomAD v4.1: 7 of 1,614,130 alleles (0.00043%); highest among the groups gnomAD compares: Middle Eastern, 0.017%; no homozygotes.

Submissions (2):

Blueprint Genetics
Classification: Uncertain significance. Last evaluated: 2023-07-26. Review status: criteria provided, single submitter. Criteria: ACMG Guidelines, 2015. Collection method: clinical testing. Allele origin: germline.

CeGaT Center for Human Genetics Tuebingen
Classification: Uncertain significance. Last evaluated: 2023-02-01. Review status: criteria provided, single submitter. Criteria: CeGaT Center For Human Genetics Tuebingen Variant Classification Criteria Version 2. Collection method: clinical testing. Allele origin: germline. Affected: yes. Observed: 1 variant allele.
Comment: WDFY3: PM2, PP2, PP3

NM_014991.6(WDFY3):c.7064G>A (p.Arg2355Gln)

Gene: WDFY3 (WD repeat and FYVE domain containing 3; minus strand). Cytogenetic location: 4q21.23.
Variant type: single nucleotide variant.
Coding change: c.7064G>A on transcript NM_014991.6 (MANE Select); coding-DNA position 7064, G replaced by A.
Protein change: p.Arg2355Gln; replaces arginine 2355 with glutamine.
Molecular consequence: missense variant.
Genome position (GRCh38, 1-based): chr4:84,733,539, C>T on the plus strand (G>A on the coding strand, the complement: WDFY3 is on the minus strand). VCF-style: chr4-84733539-C-T. GRCh37 (hg19) VCF-style: chr4-85654692-C-T.
Other names: short protein forms R2355Q.
Identifiers: ClinVar variation 2654867 (VCV002654867.25), dbSNP rs145107390, ClinGen allele CA357549401.